The following is an entry in ClinVar:

NM_001363.5(DKC1):c.1339-10T>G

Gene: DKC1 (dyskerin pseudouridine synthase 1; plus strand). Cytogenetic location: Xq28.
Variant type: single nucleotide variant.
Coding change: c.1339-10T>G on transcript NM_001363.5 (MANE Select); 10 bases into the intron before coding-DNA position 1339, T replaced by G.
Molecular consequence: intron variant.
Genome position (GRCh38, 1-based): chrX:154,776,177, T>G. VCF-style: chrX-154776177-T-G. GRCh37 (hg19) VCF-style: chrX-154004452-T-G.
Other names: c.*565-10T>G (NM_001288747.2); c.1324-10T>G (NM_001142463.3).
Identifiers: ClinVar variation 3643989 (VCV003643989.3).
Genomic context (GRCh38, chrX:154,776,177, plus strand): 5'-TTGACTCACTGAACCTTTCTTGTCCATTATTGCCCAAGATCTAACACTTAACCAATTGCT[T>G]TCATCTCAGCGGAAGCGAGAGAGTGAGAGTGAAAGTGACGAGACTCCTCCAGCAGCTCCT-3'

ClinVar aggregate classification (germline): Uncertain significance. Review status: criteria provided, multiple submitters, no conflicts (2 of 4 stars). 2 submissions from 2 submitters: Uncertain significance (2). Last evaluated 2025-02-27.

Conditions:
Dyskeratosis congenita. Identifiers: Orphanet 1775, MedGen C0265965, MONDO:0015780.

Submissions (2):

GeneDx
Classification: Uncertain significance. Last evaluated: 2025-02-27. Review status: criteria provided, single submitter. Criteria: GeneDx Variant Classification Process June 2021. Collection method: clinical testing. Allele origin: germline. Affected: yes.
Comment: Not observed at significant frequency in large population cohorts (gnomAD); In silico analysis supports a deleterious effect on splicing; Has not been previously published as pathogenic or benign to our knowledge

Labcorp Genetics (formerly Invitae), Labcorp
Classification: Uncertain significance for Dyskeratosis congenita. Last evaluated: 2024-11-05. Review status: criteria provided, single submitter. Criteria: Invitae Variant Classification Sherloc (09022015). Collection method: clinical testing. Allele origin: germline.
Comment: This sequence change falls in intron 13 of the DKC1 gene. It does not directly change the encoded amino acid sequence of the DKC1 protein. This variant is not present in population databases (gnomAD no frequency). This variant has not been reported in the literature in individuals affected with DKC1-related conditions. Algorithms developed to predict the effect of sequence changes on RNA splicing suggest that this variant may create or strengthen a splice site. In summary, the available evidence is currently insufficient to determine the role of this variant in disease. Therefore, it has been classified as a Variant of Uncertain Significance.